The following is an entry in ClinVar:

NM_005120.3(MED12):c.3322T>A (p.Cys1108Ser)

Gene: MED12 (mediator complex subunit 12; plus strand). Cytogenetic location: Xq13.1.
Variant type: single nucleotide variant.
Coding change: c.3322T>A on transcript NM_005120.3 (MANE Select); coding-DNA position 3322, T replaced by A.
Protein change: p.Cys1108Ser; replaces cysteine 1108 with serine.
Molecular consequence: missense variant.
Genome position (GRCh38, 1-based): chrX:71,128,408, T>A. VCF-style: chrX-71128408-T-A. GRCh37 (hg19) VCF-style: chrX-70348258-T-A.
Other names: short protein forms C1108S.
Identifiers: ClinVar variation 3634958 (VCV003634958.2).

ClinVar aggregate classification (germline): Uncertain significance (1 of 4 stars; one submission).

Conditions:
FG syndrome (FGS). Identifiers: MedGen C0220769, MONDO:0002010.

Submission:

Labcorp Genetics (formerly Invitae), Labcorp
Classification: Uncertain significance for FG syndrome. Last evaluated: 2025-01-20. Review status: criteria provided, single submitter. Criteria: Invitae Variant Classification Sherloc (09022015). Collection method: clinical testing. Allele origin: germline.
Comment: This sequence change replaces cysteine, which is neutral and slightly polar, with serine, which is neutral and polar, at codon 1108 of the MED12 protein (p.Cys1108Ser). This variant is not present in population databases (gnomAD no frequency). This variant has not been reported in the literature in individuals affected with MED12-related conditions. Invitae Evidence Modeling of protein sequence and biophysical properties (such as structural, functional, and spatial information, amino acid conservation, physicochemical variation, residue mobility, and thermodynamic stability) indicates that this missense variant is not expected to disrupt MED12 protein function with a negative predictive value of 95%. In summary, the available evidence is currently insufficient to determine the role of this variant in disease. Therefore, it has been classified as a Variant of Uncertain Significance.